The following is an entry in ClinVar:

NM_000834.5(GRIN2B):c.2473T>G (p.Leu825Val)

Gene: GRIN2B (glutamate ionotropic receptor NMDA type subunit 2B; minus strand). Cytogenetic location: 12p13.1.
Variant type: single nucleotide variant.
Coding change: c.2473T>G on transcript NM_000834.5 (MANE Select); coding-DNA position 2473, T replaced by G.
Protein change: p.Leu825Val; replaces leucine 825 with valine.
Molecular consequence: missense variant.
Genome position (GRCh38, 1-based): chr12:13,567,150, A>C on the plus strand (T>G on the coding strand, the complement: GRIN2B is on the minus strand). VCF-style: chr12-13567150-A-C. GRCh37 (hg19) VCF-style: chr12-13720084-A-C.
Other names: short protein forms L825V.
Identifiers: ClinVar variation 916593 (VCV000916593.1), dbSNP rs1948651813, ClinGen allele CA383996337.

ClinVar aggregate classification (germline): Likely pathogenic (1 of 4 stars; one submission).

Conditions:
Intellectual developmental disorder, autosomal dominant 6, with or without seizures. Also called: GRIN2B-related developmental delay, intellectual disability and autism spectrum disorder; Intellectual disability, autosomal dominant 6. Identifiers: Orphanet 589547, MedGen C3151411, MONDO:0013509, OMIM 613970.

Submission:

Institute of Human Genetics, University of Leipzig Medical Center
Classification: Likely pathogenic for Intellectual developmental disorder, autosomal dominant 6, with or without seizures. Last evaluated: 2017-04-04. Review status: criteria provided, single submitter. Criteria: ACMG Guidelines, 2015. Collection method: clinical testing. Allele origin: de novo. Affected: yes.
Comment: This variant was identified as de novo (maternity and paternity confirmed).

Literature cited by the submitters: PubMed 28377535.